The following is an entry in ClinVar:

ClinVar aggregate classification (germline): Uncertain significance. Review status: criteria provided, multiple submitters, no conflicts (2 of 4 stars). 2 submissions from 2 submitters: Uncertain significance (2). Last evaluated 2023-12-15.

Conditions:
Tuberous sclerosis syndrome (TSC). Also called: Tuberous Sclerosis Complex; Tuberous sclerosis. Identifiers: Orphanet 805, MedGen C0041341, MONDO:0001734.
Tuberous sclerosis 1 (TSC1). Identifiers: Orphanet 805, MedGen C1854465, MONDO:0008612, OMIM 191100.

Allele frequency attached by ClinVar (database versions not stated): gnomAD 0.00001.
gnomAD v4.1: 1 of 1,613,696 alleles (0.000062%); highest among the groups gnomAD compares: Admixed American, 0.0017%; no homozygotes.

Submissions (2):

Labcorp Genetics (formerly Invitae), Labcorp
Classification: Uncertain significance for Tuberous sclerosis 1. Last evaluated: 2023-12-15. Review status: criteria provided, single submitter. Criteria: Invitae Variant Classification Sherloc (09022015). Collection method: clinical testing. Allele origin: germline.
Comment: This sequence change replaces alanine, which is neutral and non-polar, with valine, which is neutral and non-polar, at codon 494 of the TSC1 protein (p.Ala494Val). This variant is not present in population databases (gnomAD no frequency). This variant has not been reported in the literature in individuals affected with TSC1-related conditions. ClinVar contains an entry for this variant (Variation ID: 2425408). Advanced modeling of protein sequence and biophysical properties (such as structural, functional, and spatial information, amino acid conservation, physicochemical variation, residue mobility, and thermodynamic stability) performed at Invitae indicates that this missense variant is not expected to disrupt TSC1 protein function with a negative predictive value of 95%. In summary, the available evidence is currently insufficient to determine the role of this variant in disease. Therefore, it has been classified as a Variant of Uncertain Significance.

All of Us Research Program, National Institutes of Health
Classification: Uncertain significance for Tuberous sclerosis syndrome. Last evaluated: 2023-11-20. Review status: criteria provided, single submitter. Criteria: ACMG Guidelines, 2015. Collection method: clinical testing. Allele origin: germline. Inheritance: Autosomal dominant inheritance. Observed: 1 variant allele, 1 heterozygote.
Comment: This missense variant replaces alanine with valine at codon 494 of the TSC1 protein. Computational prediction suggests that this variant may not impact protein structure and function (internally defined REVEL score threshold <= 0.5, PMID: 27666373). To our knowledge, functional studies have not been reported for this variant. This variant has not been reported in individuals affected with TSC1-related disorders in the literature. This variant has not been identified in the general population by the Genome Aggregation Database (gnomAD). The available evidence is insufficient to determine the role of this variant in disease conclusively. Therefore, this variant is classified as a Variant of Uncertain Significance.

This study involves interpretation of variants in research participants for the purpose of population health screening. Participant phenotype was not available at the time of variant classification. Additional details can be found in publication PMID: 35346344, PMCID: PMC8962531

NM_000368.5(TSC1):c.1481C>T (p.Ala494Val)

Gene: TSC1 (TSC complex subunit 1; minus strand). Cytogenetic location: 9q34.13.
Variant type: single nucleotide variant.
Coding change: c.1481C>T on transcript NM_000368.5 (MANE Select); coding-DNA position 1481, C replaced by T.
Protein change: p.Ala494Val; replaces alanine 494 with valine.
Molecular consequence: missense variant.
Genome position (GRCh38, 1-based): chr9:132,906,097, G>A on the plus strand (C>T on the coding strand, the complement: TSC1 is on the minus strand). VCF-style: chr9-132906097-G-A. GRCh37 (hg19) VCF-style: chr9-135781484-G-A.
Other names: c.1478C>T, p.Ala493Val (NM_001162426.2, NM_001406597.1, NM_001406598.1 and 6 more transcripts); c.1328C>T, p.Ala443Val (NM_001162427.2, NM_001406610.1); c.1118C>T, p.Ala373Val (NM_001362177.2, NM_001406624.1, NM_001406614.1 and 5 more transcripts); c.1481C>T, p.Ala494Val (NM_001406592.1, NM_001406593.1, NM_001406594.1 and 7 more transcripts); c.1325C>T, p.Ala442Val (NM_001406611.1, NM_001406612.1, NM_001406613.1); c.1115C>T, p.Ala372Val (NM_001406623.1, NM_001406625.1, NM_001406620.1 and 2 more transcripts); c.530C>T, p.Ala177Val (NM_001406626.1); c.527C>T, p.Ala176Val (NM_001406627.1, NM_001406628.1); and 1 more; short protein forms A143V, A176V, A177V, A372V, A373V, A442V, A443V, A493V.
Identifiers: ClinVar variation 2425408 (VCV002425408.7), dbSNP rs1845656247, ClinGen allele CA375365445.